The following is an entry in ClinVar:

ClinVar aggregate classification (germline): Uncertain significance (1 of 4 stars; one submission).

Allele frequency attached by ClinVar (database versions not stated): ExAC 0.00001; gnomAD 0.00001; gnomAD exomes 0.00001.
gnomAD v4.1: 13 of 1,614,072 alleles (0.00081%); highest among the groups gnomAD compares: Admixed American, 0.0033%; no homozygotes.

Submission:

Labcorp Genetics (formerly Invitae), Labcorp
Classification: Uncertain significance. Last evaluated: 2022-09-30. Review status: criteria provided, single submitter. Criteria: Invitae Variant Classification Sherloc (09022015). Collection method: clinical testing. Allele origin: germline.
Comment: This sequence change replaces serine, which is neutral and polar, with proline, which is neutral and non-polar, at codon 1014 of the DNAH9 protein (p.Ser1014Pro). This variant is present in population databases (rs760399185, gnomAD 0.01%). This variant has not been reported in the literature in individuals affected with DNAH9-related conditions. Advanced modeling of protein sequence and biophysical properties (such as structural, functional, and spatial information, amino acid conservation, physicochemical variation, residue mobility, and thermodynamic stability) performed at Invitae indicates that this missense variant is expected to disrupt DNAH9 protein function. In summary, the available evidence is currently insufficient to determine the role of this variant in disease. Therefore, it has been classified as a Variant of Uncertain Significance.

NM_001372.4(DNAH9):c.3040T>C (p.Ser1014Pro)

Genes: DNAH9 (dynein axonemal heavy chain 9; plus strand), LOC126862505 (BRD4-independent group 4 enhancer GRCh37_chr17:11572478-11573677; plus strand). Cytogenetic location: 17p12.
Variant type: single nucleotide variant.
Coding change: c.3040T>C on transcript NM_001372.4 (MANE Select); coding-DNA position 3040, T replaced by C.
Protein change: p.Ser1014Pro; replaces serine 1014 with proline.
Molecular consequence: missense variant.
Genome position (GRCh38, 1-based): chr17:11,669,481, T>C. VCF-style: chr17-11669481-T-C. GRCh37 (hg19) VCF-style: chr17-11572798-T-C.
Other names: short protein forms S1014P.
Identifiers: ClinVar variation 1917282 (VCV001917282.5), dbSNP rs760399185, ClinGen allele CA8395350.